The following is an entry in ClinVar:

ClinVar aggregate classification (germline): Uncertain significance. Review status: criteria provided, multiple submitters, no conflicts (2 of 4 stars). 5 submissions from 4 submitters: Uncertain significance (5). Last evaluated 2025-10-13.

Conditions:
USH2A-related disorder. Also called: USH2A-related disorders; USH2A-related condition. Identifiers: MedGen CN239332.
Usher syndrome type 2A. Also called: RETINAL DISEASE IN USHER SYNDROME TYPE IIA, MODIFIER OF; USHER SYNDROME, TYPE IIA. Identifiers: Orphanet 231178, Orphanet 886, MedGen C1848634, MONDO:0010169, OMIM 276901.
Retinitis pigmentosa 39 (RP39). Identifiers: Orphanet 791, MedGen C3151138, MONDO:0013436, OMIM 613809.

Allele frequency attached by ClinVar (database versions not stated): gnomAD exomes below 0.00001; TOPMed 0.00001.
gnomAD v4.1: 1 of 1,614,074 alleles (0.000062%); highest among the groups gnomAD compares: Non-Finnish European, 0.000085%; no homozygotes.

Submissions (5):

PreventionGenetics, part of Exact Sciences
Classification: Uncertain significance for USH2A-related condition. Last evaluated: 2025-10-13. Review status: criteria provided, single submitter. Criteria: ACMG Guidelines, 2015. Collection method: clinical testing. Allele origin: germline.
Comment: The USH2A c.11168T>G variant is predicted to result in the amino acid substitution p.Leu3723Trp. To our knowledge, this variant has not been reported in the literature or in a large population database (gnomAD), indicating this variant is rare. At this time, the clinical significance of this variant is uncertain due to the absence of conclusive functional and genetic evidence.

Labcorp Genetics (formerly Invitae), Labcorp
Classification: Uncertain significance. Last evaluated: 2023-12-22. Review status: criteria provided, single submitter. Criteria: Invitae Variant Classification Sherloc (09022015). Collection method: clinical testing. Allele origin: germline.
Comment: This sequence change replaces leucine, which is neutral and non-polar, with tryptophan, which is neutral and slightly polar, at codon 3723 of the USH2A protein (p.Leu3723Trp). This variant is not present in population databases (gnomAD no frequency). This variant has not been reported in the literature in individuals affected with USH2A-related conditions. ClinVar contains an entry for this variant (Variation ID: 1441867). Advanced modeling of protein sequence and biophysical properties (such as structural, functional, and spatial information, amino acid conservation, physicochemical variation, residue mobility, and thermodynamic stability) performed at Invitae indicates that this missense variant is not expected to disrupt USH2A protein function with a negative predictive value of 95%. In summary, the available evidence is currently insufficient to determine the role of this variant in disease. Therefore, it has been classified as a Variant of Uncertain Significance.

Genome-Nilou Lab
Classification: Uncertain significance for Retinitis pigmentosa 39. Last evaluated: 2023-11-04. Review status: criteria provided, single submitter. Criteria: ACMG Guidelines, 2015. Collection method: clinical testing. Allele origin: germline. Affected: no.

Genome-Nilou Lab
Classification: Uncertain significance for Usher syndrome type 2A. Last evaluated: 2023-11-04. Review status: criteria provided, single submitter. Criteria: ACMG Guidelines, 2015. Collection method: clinical testing. Allele origin: germline. Affected: no.

GeneDx
Classification: Uncertain significance. Last evaluated: 2022-05-27. Review status: criteria provided, single submitter. Criteria: GeneDx Variant Classification Process June 2021. Collection method: clinical testing. Allele origin: germline. Affected: yes.
Comment: Not observed at significant frequency in large population cohorts (gnomAD); In silico analysis supports that this missense variant has a deleterious effect on protein structure/function; Has not been previously published as pathogenic or benign to our knowledge

NM_206933.4(USH2A):c.11168T>G (p.Leu3723Trp)

Gene: USH2A (usherin; minus strand). Cytogenetic location: 1q41.
Variant type: single nucleotide variant.
Coding change: c.11168T>G on transcript NM_206933.4 (MANE Select); coding-DNA position 11168, T replaced by G.
Protein change: p.Leu3723Trp; replaces leucine 3723 with tryptophan.
Molecular consequence: missense variant.
Genome position (GRCh38, 1-based): chr1:215,759,723, A>C on the plus strand (T>G on the coding strand, the complement: USH2A is on the minus strand). VCF-style: chr1-215759723-A-C. GRCh37 (hg19) VCF-style: chr1-215933065-A-C.
Other names: short protein forms L3723W.
Identifiers: ClinVar variation 1441867 (VCV001441867.8), dbSNP rs928040621, ClinGen allele CA37425975.